The following is an entry in ClinVar:

NM_006306.4(SMC1A):c.2937del (p.Ile979fs)

Gene: SMC1A (structural maintenance of chromosomes 1A; minus strand). Cytogenetic location: Xp11.22.
Variant type: Deletion.
Coding change: c.2937del on transcript NM_006306.4 (MANE Select); coding-DNA position 2937, one base deleted (T; older notation c.2937delT).
Protein change: p.Ile979fs; shifts the reading frame from isoleucine 979.
Molecular consequence: frameshift variant.
Genome position (GRCh38, 1-based): chrX:53,394,814, A deleted on the plus strand (T on the coding strand, the reverse complement: SMC1A is on the minus strand); the first of 2 consecutive A bases (chrX:53,394,814-53,394,815); deleting either gives the same sequence. VCF-style (leftmost placement, unchanged base first): chrX-53394813-CA-C. GRCh37 (hg19) VCF-style: chrX-53421733-CA-C.
Other names: c.2871del, p.Ile957fs (NM_001281463.1); short protein forms I957fs, I979fs.
Identifiers: ClinVar variation 3898798 (VCV003898798.1).

ClinVar aggregate classification (germline): Likely pathogenic (1 of 4 stars; one submission).

Submission:

GeneDx
Classification: Likely pathogenic. Last evaluated: 2024-11-11. Review status: criteria provided, single submitter. Criteria: GeneDx Variant Classification Process June 2021. Collection method: clinical testing. Allele origin: germline. Affected: yes.
Comment: Frameshift variant predicted to result in protein truncation or nonsense mediated decay in a gene where this variant type is part of the mutation spectrum reported in the published literature (PMID: 31175295, 32725632, 35238682, 35712061); Not observed at significant frequency in large population cohorts (gnomAD); Has not been previously published as pathogenic or benign to our knowledge; This variant is associated with the following publications: (PMID: 31175295, 32725632, 35238682, 35712061)